The following is an entry in ClinVar:

NM_001377.3(DYNC2H1):c.8513G>A (p.Arg2838Gln)

Gene: DYNC2H1 (dynein cytoplasmic 2 heavy chain 1; plus strand). Cytogenetic location: 11q22.3.
Variant type: single nucleotide variant.
Coding change: c.8513G>A on transcript NM_001377.3 (MANE Select); coding-DNA position 8513, G replaced by A.
Protein change: p.Arg2838Gln; replaces arginine 2838 with glutamine.
Molecular consequence: missense variant.
Genome position (GRCh38, 1-based): chr11:103,209,934, G>A. VCF-style: chr11-103209934-G-A. GRCh37 (hg19) VCF-style: chr11-103080663-G-A.
Other names: c.8513G>A (NM_001080463.1); c.8513G>A, p.Arg2838Gln (NM_001080463.2); short protein forms R2838Q.
Identifiers: ClinVar variation 1502840 (VCV001502840.5), dbSNP rs766069993, ClinGen allele CA6254471.
Genomic context (GRCh38, chr11:103,209,934, plus strand): 5'-AGATACCTGAAATGTTATTCAGTGAAACAGGTGGTGGAGAAAAATACAATGATAAAAAAC[G>A]AAAAGAAGAAAAGAAAAAAAATTCAGGTAGTATTTTGATAAAATCAGTTTGATCTGGTTT-3'
Protein context (NP_001368.2, residues 2828-2848): GGGEKYNDKK[Arg2838Gln]KEEKKKNSVD

ClinVar aggregate classification (germline): Uncertain significance. Review status: criteria provided, multiple submitters, no conflicts (2 of 4 stars). 2 submissions from 2 submitters: Uncertain significance (2). Last evaluated 2023-06-06.

Conditions:
Inborn genetic diseases. Identifiers: MedGen C0950123, MeSH D030342.
Jeune thoracic dystrophy. Also called: Infantile thoracic dystrophy; Thoracic pelvic phalangeal dystrophy; Jeune's syndrome; Chondroectodermal dysplasia-like syndrome; Jeune syndrome; Short-rib thoracic dysplasia. Identifiers: Orphanet 474, MedGen C0265275, MONDO:0018770.

Allele frequency attached by ClinVar (database versions not stated): gnomAD 0.00001; gnomAD exomes 0.00003; TOPMed 0.00003; ExAC 0.00006.
gnomAD v4.1: 14 of 1,489,630 alleles (0.00094%); highest among the groups gnomAD compares: South Asian, 0.0013%; no homozygotes.

Submissions (2):

Ambry Genetics
Classification: Uncertain significance for Inborn genetic diseases. Last evaluated: 2023-06-06. Review status: criteria provided, single submitter. Criteria: Ambry Variant Classification Scheme 2023. Collection method: clinical testing. Allele origin: germline.

Labcorp Genetics (formerly Invitae), Labcorp
Classification: Uncertain significance for Jeune thoracic dystrophy. Last evaluated: 2022-08-10. Review status: criteria provided, single submitter. Criteria: Invitae Variant Classification Sherloc (09022015). Collection method: clinical testing. Allele origin: germline.
Comment: This sequence change replaces arginine, which is basic and polar, with glutamine, which is neutral and polar, at codon 2838 of the DYNC2H1 protein (p.Arg2838Gln). The frequency data for this variant in the population databases is considered unreliable, as metrics indicate poor data quality at this position in the gnomAD database. This variant has not been reported in the literature in individuals affected with DYNC2H1-related conditions. ClinVar contains an entry for this variant (Variation ID: 1502840). Advanced modeling of protein sequence and biophysical properties (such as structural, functional, and spatial information, amino acid conservation, physicochemical variation, residue mobility, and thermodynamic stability) performed at Invitae indicates that this missense variant is not expected to disrupt DYNC2H1 protein function. In summary, the available evidence is currently insufficient to determine the role of this variant in disease. Therefore, it has been classified as a Variant of Uncertain Significance.